The following is an entry in ClinVar:

NM_001099922.3(ALG13):c.649T>G (p.Leu217Val)

Gene: ALG13 (ALG13 UDP-N-acetylglucosaminyltransferase subunit; plus strand). Cytogenetic location: Xq23.
Variant type: single nucleotide variant.
Coding change: c.649T>G on transcript NM_001099922.3 (MANE Select); coding-DNA position 649, T replaced by G.
Protein change: p.Leu217Val; replaces leucine 217 with valine.
Molecular consequence: missense variant. On other transcripts: non-coding transcript variant (1).
Genome position (GRCh38, 1-based): chrX:111,708,292, T>G. VCF-style: chrX-111708292-T-G. GRCh37 (hg19) VCF-style: chrX-110951520-T-G.
Other names: c.337T>G, p.Leu113Val (NM_001257230.2, NM_001257234.2, NM_001257237.2 and 1 more transcripts); c.415T>G, p.Leu139Val (NM_001257231.2); c.649T>G, p.Leu217Val (NM_001324292.2); short protein forms L139V, L113V, L217V.
Identifiers: ClinVar variation 1498214 (VCV001498214.5), dbSNP rs2147998654, ClinGen allele CA414249765.

ClinVar aggregate classification (germline): Uncertain significance (1 of 4 stars; one submission).

Conditions:
Developmental and epileptic encephalopathy, 36 (DEE36). Also called: Congenital disorder of glycosylation, type Is; ALG13-CDG; Epileptic encephalopathy, early infantile, 36. Identifiers: Orphanet 324422, MedGen C4317295, MONDO:0010472, OMIM 300884.

Submission:

Labcorp Genetics (formerly Invitae), Labcorp
Classification: Uncertain significance for Developmental and epileptic encephalopathy, 36. Last evaluated: 2023-11-10. Review status: criteria provided, single submitter. Criteria: Invitae Variant Classification Sherloc (09022015). Collection method: clinical testing. Allele origin: germline.
Comment: This sequence change replaces leucine, which is neutral and non-polar, with valine, which is neutral and non-polar, at codon 217 of the ALG13 protein (p.Leu217Val). This variant is not present in population databases (gnomAD no frequency). This variant has not been reported in the literature in individuals affected with ALG13-related conditions. ClinVar contains an entry for this variant (Variation ID: 1498214). An algorithm developed to predict the effect of missense changes on protein structure and function (PolyPhen-2) suggests that this variant¬†is likely to be tolerated. In summary, the available evidence is currently insufficient to determine the role of this variant in disease. Therefore, it has been classified as a Variant of Uncertain Significance.